The following is an entry in ClinVar:

ClinVar aggregate classification (germline): Uncertain significance (1 of 4 stars; one submission).

Conditions:
Mucopolysaccharidosis type 6 (MPS6). Also called: MPS VI; N-ACETYLGALACTOSAMINE-4-SULFATASE DEFICIENCY; MPS 6; Maroteaux Lamy syndrome; ARSB DEFICIENCY; ARYLSULFATASE B DEFICIENCY. Identifiers: Orphanet 583, MedGen C0026709, MONDO:0009661, OMIM 253200.

Allele frequency attached by ClinVar (database versions not stated): TOPMed 0.00001.
gnomAD v4.1: 7 of 1,614,192 alleles (0.00043%); highest among the groups gnomAD compares: Admixed American, 0.0017%; no homozygotes.

Submission:

Labcorp Genetics (formerly Invitae), Labcorp
Classification: Uncertain significance for Mucopolysaccharidosis type 6. Last evaluated: 2024-12-09. Review status: criteria provided, single submitter. Criteria: Invitae Variant Classification Sherloc (09022015). Collection method: clinical testing. Allele origin: germline.
Comment: This sequence change replaces alanine, which is neutral and non-polar, with proline, which is neutral and non-polar, at codon 283 of the ARSB protein (p.Ala283Pro). This variant is present in population databases (no rsID available, gnomAD 0.003%). This missense change has been observed in individual(s) with lysosomal disorder and/or mucopolysaccharidosis type VI (PMID: 33673364; internal data). ClinVar contains an entry for this variant (Variation ID: 1920527). Invitae Evidence Modeling of protein sequence and biophysical properties (such as structural, functional, and spatial information, amino acid conservation, physicochemical variation, residue mobility, and thermodynamic stability) indicates that this missense variant is expected to disrupt ARSB protein function with a positive predictive value of 95%. In summary, the available evidence is currently insufficient to determine the role of this variant in disease. Therefore, it has been classified as a Variant of Uncertain Significance.

Literature cited by the submitters: PubMed 33673364.

NM_000046.5(ARSB):c.847G>C (p.Ala283Pro)

Gene: ARSB (arylsulfatase B; minus strand). Cytogenetic location: 5q14.1.
Variant type: single nucleotide variant.
Coding change: c.847G>C on transcript NM_000046.5 (MANE Select); coding-DNA position 847, G replaced by C.
Protein change: p.Ala283Pro; replaces alanine 283 with proline.
Molecular consequence: missense variant.
Genome position (GRCh38, 1-based): chr5:78,955,346, C>G on the plus strand (G>C on the coding strand, the complement: ARSB is on the minus strand). VCF-style: chr5-78955346-C-G. GRCh37 (hg19) VCF-style: chr5-78251169-C-G.
Other names: c.847G>C, p.Ala283Pro (NM_198709.3); short protein forms A283P.
Identifiers: ClinVar variation 1920527 (VCV001920527.4), dbSNP rs1388591027, ClinGen allele CA360192002.